The following is an entry in ClinVar:

NM_006514.4(SCN10A):c.1729C>T (p.Leu577Phe)

Gene: SCN10A (sodium voltage-gated channel alpha subunit 10; minus strand). Cytogenetic location: 3p22.2.
Variant type: single nucleotide variant.
Coding change: c.1729C>T on transcript NM_006514.4 (MANE Select); coding-DNA position 1729, C replaced by T.
Protein change: p.Leu577Phe; replaces leucine 577 with phenylalanine.
Molecular consequence: missense variant. On other transcripts: intron variant (1).
Genome position (GRCh38, 1-based): chr3:38,752,245, G>A on the plus strand (C>T on the coding strand, the complement: SCN10A is on the minus strand). VCF-style: chr3-38752245-G-A. GRCh37 (hg19) VCF-style: chr3-38793736-G-A.
Other names: c.1729C>T, p.Leu577Phe (NM_001293306.2); c.1462-2061C>T (NM_001293307.2); short protein forms L577F.
Identifiers: ClinVar variation 3438105 (VCV003438105.1).

ClinVar aggregate classification (germline): Uncertain significance (1 of 4 stars; one submission).

Conditions:
Cardiovascular phenotype. Identifiers: MedGen CN230736.

Submission:

Ambry Genetics
Classification: Uncertain significance for Cardiovascular phenotype. Last evaluated: 2024-08-23. Review status: criteria provided, single submitter. Criteria: Ambry Variant Classification Scheme 2023. Collection method: clinical testing. Allele origin: germline.
Comment: The p.L577F variant (also known as c.1729C>T), located in coding exon 11 of the SCN10A gene, results from a C to T substitution at nucleotide position 1729. The leucine at codon 577 is replaced by phenylalanine, an amino acid with highly similar properties. This amino acid position is conserved. In addition, the in silico prediction for this alteration is inconclusive. Based on the available evidence, the clinical significance of this variant remains unclear.